The following is an entry in ClinVar:

NM_001267550.2(TTN):c.51037G>T (p.Glu17013Ter)

Genes: TTN-AS1 (TTN antisense RNA 1; plus strand), TTN (titin; minus strand). Cytogenetic location: 2q31.2.
Variant type: single nucleotide variant.
Coding change: c.51037G>T on transcript NM_001267550.2 (MANE Select); coding-DNA position 51037, G replaced by T.
Protein change: p.Glu17013Ter; replaces glutamic acid 17013 with a stop codon.
Molecular consequence: nonsense.
Genome position (GRCh38, 1-based): chr2:178,611,092, C>A on the plus strand (G>T on the coding strand, the complement: TTN is on the minus strand). VCF-style: chr2-178611092-C-A. GRCh37 (hg19) VCF-style: chr2-179475819-C-A.
Other names: c.46114G>T, p.Glu15372Ter (NM_001256850.1); c.23842G>T, p.Glu7948Ter (NM_003319.4); c.43333G>T, p.Glu14445Ter (NM_133378.4); c.24217G>T, p.Glu8073Ter (NM_133432.3); c.24418G>T, p.Glu8140Ter (NM_133437.4); short protein forms E17013*, E14445*, E7948*, E8073*, E15372*, E8140*.
Identifiers: ClinVar variation 404929 (VCV000404929.9), dbSNP rs1060500500, ClinGen allele CA16610437.
Genomic context (GRCh38, chr2:178,611,092, plus strand): 5'-GCTTATTCTCCAGTGTAATGGTATAAATTCCGGCATCTGCACGGACACTCTTGGGAACTT[C>A]AAGGTGTGCAGAGATGTGATCATTCTTCATTGTTAATCTATCACTTGCTTTAACTTCTTT-3'

ClinVar aggregate classification (germline): Likely pathogenic (1 of 4 stars; one submission).

Conditions:
Dilated cardiomyopathy 1G (CMD1G). Identifiers: Orphanet 154, MedGen C1858763, MONDO:0011400, OMIM 604145.
Autosomal recessive limb-girdle muscular dystrophy type 2J (LGMDR10). Also called: Limb-girdle muscular dystrophy, type 2J; MUSCULAR DYSTROPHY, LIMB-GIRDLE, AUTOSOMAL RECESSIVE 10. Identifiers: Orphanet 140922, MedGen C1837342, MONDO:0012127, OMIM 608807.

Submission:

Labcorp Genetics (formerly Invitae), Labcorp
Classification: Likely pathogenic for Dilated cardiomyopathy 1G; Autosomal recessive limb-girdle muscular dystrophy type 2J. Last evaluated: 2017-08-18. Review status: criteria provided, single submitter. Criteria: Invitae Variant Classification Sherloc (09022015). Collection method: clinical testing. Allele origin: germline.
Comment: This sequence change results in a premature translational stop signal in exon 270 of the TTN mRNA at codon 17013 (p.Glu17013*). While this is not anticipated to result in nonsense mediated decay, it is expected to create a truncated TTN protein. This variant is found in the A-band of this gene. While this particular variant has not been reported in the literature, truncating variants in the A-band of TTN are significantly overrepresented in patients with dilated cardiomyopathy and are considered to be likely pathogenic for the disease (PMID: 25589632). For these reasons, this variant has been classified as Likely Pathogenic.

Literature cited by the submitters: PubMed 25589632.